The following is an entry in ClinVar:

ClinVar aggregate classification (germline): Uncertain significance. Review status: criteria provided, multiple submitters, no conflicts (2 of 4 stars). 2 submissions from 2 submitters: Uncertain significance (2). Last evaluated 2025-05-07.

Allele frequency attached by ClinVar (database versions not stated): ExAC 0.00001.
gnomAD v4.1: 1 of 1,614,124 alleles (0.000062%); no homozygotes.

Submissions (2):

Ambry Genetics
Classification: Uncertain significance. Last evaluated: 2025-05-07. Review status: criteria provided, single submitter. Criteria: Ambry Variant Classification Scheme 2023. Collection method: clinical testing. Allele origin: germline.
Comment: The p.R417L variant (also known as c.1250G>T), located in coding exon 7 of the GALNT12 gene, results from a G to T substitution at nucleotide position 1250. The arginine at codon 417 is replaced by leucine, an amino acid with dissimilar properties. This amino acid position is highly conserved in available vertebrate species. In addition, this alteration is predicted to be deleterious by in silico analysis. The evidence for this gene-disease relationship is limited; therefore, the clinical significance of this alteration is unclear.

Blueprint Genetics
Classification: Uncertain significance. Last evaluated: 2024-10-11. Review status: criteria provided, single submitter. Criteria: ACMG Guidelines, 2015. Collection method: clinical testing. Allele origin: germline.

NM_024642.5(GALNT12):c.1250G>T (p.Arg417Leu)

Gene: GALNT12 (polypeptide N-acetylgalactosaminyltransferase 12; plus strand). Cytogenetic location: 9q22.33.
Variant type: single nucleotide variant.
Coding change: c.1250G>T on transcript NM_024642.5 (MANE Select); coding-DNA position 1250, G replaced by T.
Protein change: p.Arg417Leu; replaces arginine 417 with leucine.
Molecular consequence: missense variant.
Genome position (GRCh38, 1-based): chr9:98,840,039, G>T. VCF-style: chr9-98840039-G-T. GRCh37 (hg19) VCF-style: chr9-101602321-G-T.
Other names: short protein forms R417L.
Identifiers: ClinVar variation 2473209 (VCV002473209.4), dbSNP rs752104260, ClinGen allele CA5154214.